The following is an entry in ClinVar:

NM_017866.6(TMEM70):c.*1103C>T

Gene: TMEM70 (transmembrane protein 70; plus strand). Cytogenetic location: 8q21.11.
Variant type: single nucleotide variant.
Coding change: c.*1103C>T on transcript NM_017866.6 (MANE Select); 1103 bases downstream of the stop codon, C replaced by T.
Molecular consequence: 3 prime UTR variant. On other transcripts: non-coding transcript variant (1).
Genome position (GRCh38, 1-based): chr8:73,982,724, C>T. VCF-style: chr8-73982724-C-T. GRCh37 (hg19) VCF-style: chr8-74894959-C-T.
Other names: c.*1576C>T (NM_001040613.3).
Identifiers: ClinVar variation 911943 (VCV000911943.4), dbSNP rs747366040, ClinGen allele CA4784289.

ClinVar aggregate classification (germline): Likely benign (1 of 4 stars; one submission).

Conditions:
Mitochondrial complex V (ATP synthase) deficiency, nuclear type 2. Also called: Nuclear-Encoded ATPase Deficiency, TMEM70-Related; ENCEPHALOCARDIOMYOPATHY, MITOCHONDRIAL, NEONATAL, DUE TO ATP SYNTHASE DEFICIENCY; MITOCHONDRIAL COMPLEX V (ATP SYNTHASE) DEFICIENCY, TMEM70 TYPE. Identifiers: Orphanet 1194, MedGen C3279699, MONDO:0013546, OMIM 614052.

Allele frequency attached by ClinVar (database versions not stated): gnomAD 0.00061 and 0.00063; TOPMed 0.00066; gnomAD exomes 0.00101 and 0.00145; ExAC 0.00325.

Submission:

Illumina Laboratory Services, Illumina
Classification: Likely benign for Mitochondrial complex V (ATP synthase) deficiency, nuclear type 2. Last evaluated: 2018-01-13. Review status: criteria provided, single submitter. Criteria: ICSL Variant Classification Criteria 13 December 2019. Collection method: clinical testing. Allele origin: germline.
Comment: This variant was observed in the ICSL laboratory as part of a predisposition screen in an ostensibly healthy population. It had not been previously curated by ICSL or reported in the Human Gene Mutation Database (HGMD: prior to June 1st, 2018), and was therefore a candidate for classification through an automated scoring system. Utilizing variant allele frequency, disease prevalence and penetrance estimates, and inheritance mode, an automated score was calculated to assess if this variant is too frequent to cause the disease. Based on the score and internal cut-off values, a variant classified as likely benign is not then subjected to further curation. The score for this variant resulted in a classification of likely benign for this disease.